The following is an entry in ClinVar:

NM_001377.3(DYNC2H1):c.7501C>T (p.Gln2501Ter)

Gene: DYNC2H1 (dynein cytoplasmic 2 heavy chain 1; plus strand). Cytogenetic location: 11q22.3.
Variant type: single nucleotide variant.
Coding change: c.7501C>T on transcript NM_001377.3 (MANE Select); coding-DNA position 7501, C replaced by T.
Protein change: p.Gln2501Ter; replaces glutamine 2501 with a stop codon.
Molecular consequence: nonsense.
Genome position (GRCh38, 1-based): chr11:103,191,580, C>T. VCF-style: chr11-103191580-C-T. GRCh37 (hg19) VCF-style: chr11-103062309-C-T.
Other names: c.7501C>T, p.Gln2501Ter (NM_001080463.2); short protein forms Q2501*.
Identifiers: ClinVar variation 3708107 (VCV003708107.4).
Genomic context (GRCh38, chr11:103,191,580, plus strand): 5'-CGAGCCAAATTTACAGTTGATGATTATAGTCACTATTTCTTTACTCCTTGCATTCTTACC[C>T]AATGGGTTCTTGGCTTATTTAGATATGATTTAGAAGGAGGTGAGTTTTGCTAGTGTGTAT-3'

ClinVar aggregate classification (germline): Pathogenic. Review status: criteria provided, multiple submitters, no conflicts (2 of 4 stars). 2 submissions from 2 submitters: Pathogenic (2). Last evaluated 2025-07-07.

Conditions:
Asphyxiating thoracic dystrophy 3. Also called: SHORT-RIB THORACIC DYSPLASIA 3/6 WITH POLYDACTYLY, DIGENIC; Saldino-Noonan Syndrome; SHORT-RIB THORACIC DYSPLASIA 3 WITH OR WITHOUT POLYDACTYLY; POLYDACTYLY WITH NEONATAL CHONDRODYSTROPHY, TYPE I; Short rib polydactyly syndrome 2B. Identifiers: Orphanet 474, Orphanet 93269, Orphanet 93270, Orphanet 93271, MedGen C0036069, MONDO:0013127, OMIM 613091.
Jeune thoracic dystrophy. Also called: Jeune syndrome; Infantile thoracic dystrophy; Thoracic pelvic phalangeal dystrophy; Jeune's syndrome; Chondroectodermal dysplasia-like syndrome; Short-rib thoracic dysplasia. Identifiers: Orphanet 474, MedGen C0265275, MONDO:0018770.

gnomAD v4.1: 4 of 1,610,100 alleles (0.00025%); highest among the groups gnomAD compares: Non-Finnish European, 0.00025%; no homozygotes.

Submissions (2):

Labcorp Genetics (formerly Invitae), Labcorp
Classification: Pathogenic for Jeune thoracic dystrophy. Last evaluated: 2025-07-07. Review status: criteria provided, single submitter. Criteria: Invitae Variant Classification Sherloc (09022015). Collection method: clinical testing. Allele origin: germline.
Comment: This sequence change creates a premature translational stop signal (p.Gln2501*) in the DYNC2H1 gene. It is expected to result in an absent or disrupted protein product. Loss-of-function variants in DYNC2H1 are known to be pathogenic (PMID: 23339108, 32753734, 33755199). This variant is not present in population databases (gnomAD no frequency). This variant has not been reported in the literature in individuals affected with DYNC2H1-related conditions. ClinVar contains an entry for this variant (Variation ID: 3708107). Algorithms developed to predict the effect of sequence changes on RNA splicing suggest that this variant may disrupt the consensus splice site. For these reasons, this variant has been classified as Pathogenic.

Myriad Genetics, Inc.
Classification: Pathogenic for Asphyxiating thoracic dystrophy 3. Last evaluated: 2025-04-28. Review status: criteria provided, single submitter. Criteria: Myriad Autosomal Dominant, Autosomal Recessive and X-Linked Classification Criteria (2023). Collection method: clinical testing. Allele origin: unknown.
Comment: NM_001377.2(DYNC2H1):c.7501C>T(Q2501*) is expected to be pathogenic in the context of DYNC2H1-related disorders. This variant is predicted to lead to an abnormal or absent protein product due to the creation of a premature termination codon in DYNC2H1, a gene where loss-of-function variants are known to be pathogenic. Please note: this variant was assessed in the context of healthy population screening.

Literature cited by the submitters: PubMed 23339108 (cited by Labcorp Genetics (formerly Invitae), Labcorp); PubMed 32753734 (cited by Labcorp Genetics (formerly Invitae), Labcorp); PubMed 33755199 (cited by Labcorp Genetics (formerly Invitae), Labcorp).